The following is an entry in ClinVar:

ClinVar aggregate classification (germline): Uncertain significance. Review status: criteria provided, multiple submitters, no conflicts (2 of 4 stars). 2 submissions from 2 submitters: Uncertain significance (2). Last evaluated 2026-06-12.

Conditions:
Hereditary factor VIII deficiency disease (HEMA). Also called: HEMOPHILIA, CLASSIC; AUTOSOMAL HEMOPHILIA A; Hemophilia A; Hemophilia A, congenital; HEM A; Factor 8 deficiency, congenital. Identifiers: Orphanet 98878, MedGen C0019069, MONDO:0010602, OMIM 306700.
F8-related disorder. Also called: F8-related condition.

Allele frequency attached by ClinVar (database versions not stated): gnomAD exomes below 0.00001; TOPMed below 0.00001; gnomAD 0.00002; 1000 Genomes Project 0.00026; 1000 Genomes Project 30x 0.00042.
gnomAD v4.1: 7 of 1,209,965 alleles (0.00058%); highest among the groups gnomAD compares: Non-Finnish European, 0.00078%; no homozygotes.

Submissions (2):

Myriad Genetics, Inc.
Classification: Uncertain significance for Hereditary factor VIII deficiency disease. Last evaluated: 2026-06-12. Review status: criteria provided, single submitter. Criteria: Myriad Autosomal Dominant, Autosomal Recessive and X-Linked Classification Criteria (2023). Collection method: clinical testing. Allele origin: unknown.
Comment: NM_000132.3(F8):c.3731A>G(K1244R) is a missense variant classified as a variant of uncertain significance in the context of hemophilia A. K1244R has been observed in cases with relevant disease (PMID: 29296726, 22103590). Relevant functional assessments of this variant are not available in the literature. K1244R has been observed in referenced population frequency databases. In summary, there is insufficient evidence to classify NM_000132.3(F8):c.3731A>G(K1244R) as pathogenic or benign. Please note: this variant was assessed in the context of healthy population screening.

PreventionGenetics, part of Exact Sciences
Classification: Uncertain significance for F8-related condition. Last evaluated: 2022-10-26. Review status: criteria provided, single submitter. Criteria: ACMG Guidelines, 2015. Collection method: clinical testing. Allele origin: germline.
Comment: The F8 c.3731A>G variant is predicted to result in the amino acid substitution p.Lys1244Arg. This variant was reported, along with another variant in F8, in an individual with hemophilia A of mild severity (Supplemental tables S1 and S2, Miller et al. 2012. PubMed ID: 22103590). This variant is reported in 0.0012% of alleles in individuals of European (Non-Finnish) descent in gnomAD. At this time, the clinical significance of this variant is uncertain due to the absence of conclusive functional and genetic evidence.

Literature cited by the submitters: PubMed 22103590 (cited by Myriad Genetics, Inc.); PubMed 29296726 (cited by Myriad Genetics, Inc.).

NM_000132.4(F8):c.3731A>G (p.Lys1244Arg)

Gene: F8 (coagulation factor VIII; minus strand). Cytogenetic location: Xq28.
Variant type: single nucleotide variant.
Coding change: c.3731A>G on transcript NM_000132.4 (MANE Select); coding-DNA position 3731, A replaced by G.
Protein change: p.Lys1244Arg; replaces lysine 1244 with arginine.
Molecular consequence: missense variant.
Genome position (GRCh38, 1-based): chrX:154,930,059, T>C on the plus strand (A>G on the coding strand, the complement: F8 is on the minus strand). VCF-style: chrX-154930059-T-C. GRCh37 (hg19) VCF-style: chrX-154158334-T-C.
Other names: short protein forms K1244R.
Identifiers: ClinVar variation 2629241 (VCV002629241.2), dbSNP rs782414641, ClinGen allele CA337324900.